The following is an entry in ClinVar:

NM_001374353.1(GLI2):c.4281G>A (p.Met1427Ile)

Gene: GLI2 (GLI family zinc finger 2; plus strand). Cytogenetic location: 2q14.2.
Variant type: single nucleotide variant.
Coding change: c.4281G>A on transcript NM_001374353.1 (MANE Select); coding-DNA position 4281, G replaced by A.
Protein change: p.Met1427Ile; replaces methionine 1427 with isoleucine.
Molecular consequence: missense variant.
Genome position (GRCh38, 1-based): chr2:120,990,246, G>A. VCF-style: chr2-120990246-G-A. GRCh37 (hg19) VCF-style: chr2-121747822-G-A.
Other names: c.4332G>A, p.Met1444Ile (NM_001371271.1, NM_005270.5); c.3906G>A, p.Met1302Ile (NM_001374354.1); short protein forms M1444I, M1302I, M1427I.
Identifiers: ClinVar variation 194230 (VCV000194230.51), dbSNP rs146467786, ClinGen allele CA201053.
Genomic context (GRCh38, chr2:120,990,246, plus strand): 5'-GGGGTCGGTGCCTCCCCAGCCGCCTCCGCAGGACGCAGGTGGGGCCCCGGACCACAGCAT[G>A]CTCTACTACTACGGCCAGATCCACATGTACGAACAGGATGGAGGCCTGGAGAACCTCGGG-3'
Protein context (NP_001361282.1, residues 1417-1437): QDAGGAPDHS[Met1427Ile]LYYYGQIHMY

ClinVar aggregate classification (germline): Benign/Likely benign. Review status: criteria provided, multiple submitters, no conflicts (2 of 4 stars). 11 submissions from 11 submitters: Benign (8); Likely benign (3). Last evaluated 2026-10-01.

Conditions:
Holoprosencephaly 9 (HPE9). Also called: HOLOPROSENCEPHALY WITH MICROPHTHALMIA AND FIRST BRANCHIAL ARCH ANOMALIES; PITUITARY ANOMALIES WITH HOLOPROSENCEPHALY-LIKE FEATURES. Identifiers: Orphanet 2162, MedGen C1835819, MONDO:0012563, OMIM 610829.
Postaxial polydactyly-anterior pituitary anomalies-facial dysmorphism syndrome. Also called: Culler-Jones syndrome. Identifiers: Orphanet 420584, MedGen C4014479, MONDO:0014369, OMIM 615849.

Allele frequency attached by ClinVar (database versions not stated): ESP Exome Variant Server 0.00077; gnomAD exomes 0.00377 and 0.00970; gnomAD 0.00465 and 0.00473; 1000 Genomes Project 0.00699; TOPMed 0.00770; ExAC 0.00826; 1000 Genomes Project 30x 0.00843.

Submissions (11):

CeGaT Center for Human Genetics Tuebingen
Classification: Benign. Last evaluated: 2026-10-01. Review status: criteria provided, single submitter. Criteria: CeGaT Center For Human Genetics Tuebingen Variant Classification Criteria Version 2. Collection method: clinical testing. Allele origin: germline. Affected: yes. Observed: 22 variant alleles.
Comment: GLI2: BP4, BS1, BS2

Women's Health and Genetics/Laboratory Corporation of America, LabCorp
Classification: Likely benign. Last evaluated: 2026-05-11. Review status: criteria provided, single submitter. Criteria: LabCorp Variant Classification Summary - May 2015. Collection method: clinical testing. Allele origin: germline.

ARUP Laboratories, Molecular Genetics and Genomics, ARUP Laboratories
Classification: Benign. Last evaluated: 2023-11-29. Review status: criteria provided, single submitter. Criteria: ARUP Molecular Germline Variant Investigation Process 2024. Collection method: clinical testing. Allele origin: germline.

Fulgent Genetics
Classification: Benign for Holoprosencephaly 9; Postaxial polydactyly-anterior pituitary anomalies-facial dysmorphism syndrome. Last evaluated: 2021-12-09. Review status: criteria provided, single submitter. Criteria: ACMG Guidelines, 2015. Collection method: clinical testing. Allele origin: unknown.

Labcorp Genetics (formerly Invitae), Labcorp
Classification: Benign for Culler-Jones syndrome; Holoprosencephaly 9. Last evaluated: 2019-12-31. Review status: criteria provided, single submitter. Criteria: Invitae Variant Classification Sherloc (09022015). Collection method: clinical testing. Allele origin: germline.

GeneDx
Classification: Benign. Last evaluated: 2018-11-06. Review status: criteria provided, single submitter. Criteria: GeneDx Variant Classification Process June 2021. Collection method: clinical testing. Allele origin: germline. Affected: yes.
Comment: This variant is associated with the following publications: (PMID: 27535533, 17096318, 22967285)

Illumina Laboratory Services, Illumina
Classification: Likely benign for Holoprosencephaly 9. Last evaluated: 2017-04-27. Review status: criteria provided, single submitter. Criteria: ICSL Variant Classification Criteria 13 December 2019. Collection method: clinical testing. Allele origin: germline.
Comment: This variant was observed as part of a predisposition screen in an ostensibly healthy population. A literature search was performed for the gene, cDNA change, and amino acid change (where applicable). Publications were found based on this search. The evidence from the literature, in combination with allele frequency data from public databases where available, was sufficient to determine this variant is unlikely to cause disease. Therefore, this variant is classified as likely benign.

Center for Pediatric Genomic Medicine, Children's Mercy Hospital and Clinics
Classification: Benign. Last evaluated: 2016-10-13. Review status: criteria provided, single submitter. Criteria: ACMG Guidelines, 2015. Collection method: clinical testing. Allele origin: germline.

Eurofins Ntd Llc (ga)
Classification: Benign. Last evaluated: 2014-07-10. Review status: criteria provided, single submitter. Criteria: EGL Classification Definitions 2015. Collection method: clinical testing. Allele origin: germline.

Breakthrough Genomics
Classification: Likely benign. Review status: criteria provided, single submitter. Criteria: ACMG Guidelines, 2015. Collection method: not provided. Allele origin: germline. Inheritance: Autosomal dominant inheritance. Affected: yes.

Broad Center for Mendelian Genomics, Broad Institute of MIT and Harvard
Classification: Benign for Holoprosencephaly 9. Review status: criteria provided, single submitter. Criteria: ACMG Guidelines, 2015. Collection method: research. Allele origin: germline. Inheritance: Autosomal dominant inheritance. Affected: yes.
Comment: The heterozygous p.Met1444Ile variant, sometimes called p.Met1116Ile due to a difference in cDNA numbering, in GLI2 has been identified in an individual with possible holoprosencephaly and 4 individuals with combined pituitary hormone deficiency but not holoprosencephaly (PMID: 17096318, 22967285). This variant has also been identified in >6% of Latino chromosomes and 20 homozygotes by ExAC. In summary, this variant meets criteria to be classified as benign for autosomal dominant holoprosencephaly with heminasal aplasia and orbital anomalies.

Literature cited by the submitters: PubMed 20685856 (cited by Illumina Laboratory Services, Illumina); PubMed 19223936 (cited by Illumina Laboratory Services, Illumina); PubMed 23408573 (cited by Illumina Laboratory Services, Illumina); PubMed 17096318 (cited by Illumina Laboratory Services, Illumina and Broad Center for Mendelian Genomics, Broad Institute of MIT and Harvard); PubMed 24744436 (cited by Illumina Laboratory Services, Illumina); PubMed 22967285 (cited by Broad Center for Mendelian Genomics, Broad Institute of MIT and Harvard).